The following is an entry in ClinVar:

ClinVar aggregate classification (germline): Uncertain significance (1 of 4 stars; one submission).

Conditions:
Autosomal dominant nocturnal frontal lobe epilepsy 5. Also called: Epilepsy, nocturnal frontal lobe, 5; CILIARY DYSKINESIA, PRIMARY, 28, WITHOUT SITUS INVERSUS; CILIARY DYSKINESIA, PRIMARY, 28, WITH SITUS INVERSUS; KCNT1-Related Epilepsy. Identifiers: Orphanet 98784, MedGen C3554306, MONDO:0014002, OMIM 615005.
Developmental and epileptic encephalopathy, 14 (DEE14). Also called: Early infantile epileptic encephalopathy 14. Identifiers: Orphanet 293181, MedGen C3554195, MONDO:0013989, OMIM 614959.

Submission:

Labcorp Genetics (formerly Invitae), Labcorp
Classification: Uncertain significance for Autosomal dominant nocturnal frontal lobe epilepsy 5; Developmental and epileptic encephalopathy, 14. Last evaluated: 2023-03-10. Review status: criteria provided, single submitter. Criteria: Invitae Variant Classification Sherloc (09022015). Collection method: clinical testing. Allele origin: germline.
Comment: In summary, the available evidence is currently insufficient to determine the role of this variant in disease. Therefore, it has been classified as a Variant of Uncertain Significance. Experimental studies and prediction algorithms are not available or were not evaluated, and the functional significance of this variant is currently unknown. This variant, c.2543_2544insCCA, is a complex sequence change that results in the deletion of 1 and insertion of 2 amino acid(s) in the KCNT1 protein (p.Glu848delinsAspGln). This variant is not present in population databases (gnomAD no frequency). This variant has not been reported in the literature in individuals affected with KCNT1-related conditions.

NM_020822.3(KCNT1):c.2543_2544insCCA (p.Glu848delinsAspGln)

Gene: KCNT1 (potassium sodium-activated channel subfamily T member 1; plus strand). Cytogenetic location: 9q34.3.
Variant type: Insertion.
Coding change: c.2543_2544insCCA on transcript NM_020822.3 (MANE Select); coding-DNA positions 2543 to 2544, CCA inserted.
Protein change: p.Glu848delinsAspGln.
Molecular consequence: inframe indel.
Genome position: GRCh38 VCF-style: chr9-135778443-G-GACC. GRCh37 (hg19) VCF-style: chr9-138670289-G-GACC.
Other names: c.2408_2409insCCA, p.Glu803delinsAspGln (NM_001272003.2).
Identifiers: ClinVar variation 2945207 (VCV002945207.3), dbSNP rs2491034130, ClinGen allele CA2740092946.